The following is an entry in ClinVar:

NM_014727.3(KMT2B):c.1571T>G (p.Ile524Ser)

Gene: KMT2B (lysine methyltransferase 2B; plus strand). Cytogenetic location: 19q13.12.
Variant type: single nucleotide variant.
Coding change: c.1571T>G on transcript NM_014727.3 (MANE Select); coding-DNA position 1571, T replaced by G.
Protein change: p.Ile524Ser; replaces isoleucine 524 with serine.
Molecular consequence: missense variant.
Genome position (GRCh38, 1-based): chr19:35,720,918, T>G. VCF-style: chr19-35720918-T-G. GRCh37 (hg19) VCF-style: chr19-36211820-T-G.
Other names: short protein forms I524S.
Identifiers: ClinVar variation 3774890 (VCV003774890.1).
Genomic context (GRCh38, chr19:35,720,918, plus strand): 5'-GAGGCCCTCCGGAAGACAGTCCCACCGTGGCCCCCAAAAGCACCACCTTCCTGAAGAATA[T>G]CCGGCAGTTTATTATGCCTGTGGTGAGTGCCCGCTCCTCCCGTGTCATCAAGACACCCCG-3'
Protein context (NP_055542.1, residues 514-534): APKSTTFLKN[Ile524Ser]RQFIMPVVSA

ClinVar aggregate classification (germline): Uncertain significance (1 of 4 stars; one submission).

Submission:

GeneDx
Classification: Uncertain significance. Last evaluated: 2024-09-30. Review status: criteria provided, single submitter. Criteria: GeneDx Variant Classification Process June 2021. Collection method: clinical testing. Allele origin: germline. Affected: yes.
Comment: Not observed at significant frequency in large population cohorts (gnomAD); In silico analysis indicates that this missense variant does not alter protein structure/function; Has not been previously published as pathogenic or benign to our knowledge